The following is an entry in ClinVar:

NM_001365951.3(KIF1B):c.2969T>A (p.Ile990Asn)

Gene: KIF1B (kinesin family member 1B; plus strand). Cytogenetic location: 1p36.22.
Variant type: single nucleotide variant.
Coding change: c.2969T>A on transcript NM_001365951.3 (MANE Select); coding-DNA position 2969, T replaced by A.
Protein change: p.Ile990Asn; replaces isoleucine 990 with asparagine.
Molecular consequence: missense variant.
Genome position (GRCh38, 1-based): chr1:10,334,564, T>A. VCF-style: chr1-10334564-T-A. GRCh37 (hg19) VCF-style: chr1-10394622-T-A.
Other names: c.2969T>A, p.Ile990Asn (NM_001365952.1); c.2831T>A, p.Ile944Asn (NM_015074.3); short protein forms I944N, I990N.
Identifiers: ClinVar variation 3226418 (VCV003226418.1), dbSNP rs2521700381, ClinGen allele CA338338671.

ClinVar aggregate classification (germline): Uncertain significance (1 of 4 stars; one submission).

Submission:

Ambry Genetics
Classification: Uncertain significance. Last evaluated: 2023-10-06. Review status: criteria provided, single submitter. Criteria: Ambry Variant Classification Scheme 2023. Collection method: clinical testing. Allele origin: germline.
Comment: The p.I944N variant (also known as c.2831T>A), located in coding exon 25 of the KIF1B gene, results from a T to A substitution at nucleotide position 2831. The isoleucine at codon 944 is replaced by asparagine, an amino acid with dissimilar properties. This amino acid position is conserved. In addition, the in silico prediction for this alteration is inconclusive. Since supporting evidence is limited at this time, the clinical significance of this alteration remains unclear.